The following is an entry in ClinVar:

NM_022089.4(ATP13A2):c.1313T>G (p.Leu438Arg)

Gene: ATP13A2 (ATPase cation transporting 13A2; minus strand). Cytogenetic location: 1p36.13.
Variant type: single nucleotide variant.
Coding change: c.1313T>G on transcript NM_022089.4 (MANE Select); coding-DNA position 1313, T replaced by G.
Protein change: p.Leu438Arg; replaces leucine 438 with arginine.
Molecular consequence: missense variant.
Genome position (GRCh38, 1-based): chr1:16,996,294, A>C on the plus strand (T>G on the coding strand, the complement: ATP13A2 is on the minus strand). VCF-style: chr1-16996294-A-C. GRCh37 (hg19) VCF-style: chr1-17322789-A-C.
Other names: c.1298T>G, p.Leu433Arg (NM_001141973.3, NM_001141974.3); short protein forms L433R, L438R.
Identifiers: ClinVar variation 4527147 (VCV004527147.1).

ClinVar aggregate classification (germline): Uncertain significance (1 of 4 stars; one submission).

Submission:

GeneDx
Classification: Uncertain significance. Last evaluated: 2025-04-25. Review status: criteria provided, single submitter. Criteria: GeneDx Variant Classification Process June 2021. Collection method: clinical testing. Allele origin: germline. Affected: yes.
Comment: Not observed at significant frequency in large population cohorts (gnomAD); In silico analysis supports that this missense variant has a deleterious effect on protein structure/function; Has not been previously published as pathogenic or benign to our knowledge